The following is an entry in ClinVar:

NM_001267550.2(TTN):c.28971G>A (p.Ser9657=)

Gene: TTN (titin; minus strand). Cytogenetic location: 2q31.2.
Variant type: single nucleotide variant.
Coding change: c.28971G>A on transcript NM_001267550.2 (MANE Select); coding-DNA position 28971, G replaced by A.
Protein change: p.Ser9657=; no amino-acid change (serine 9657 retained).
Molecular consequence: synonymous variant. On other transcripts: intron variant (3).
Genome position (GRCh38, 1-based): chr2:178,707,596, C>T on the plus strand (G>A on the coding strand, the complement: TTN is on the minus strand). VCF-style: chr2-178707596-C-T. GRCh37 (hg19) VCF-style: chr2-179572323-C-T.
Other names: c.25239G>A, p.Ser8413= (NM_133378.4); c.28020G>A, p.Ser9340= (NM_001256850.1); c.13282+30486G>A (NM_003319.4); c.13858+30486G>A (NM_133437.4); c.13657+30486G>A (NM_133432.3).
Identifiers: ClinVar variation 282875 (VCV000282875.23), dbSNP rs370903846, ClinGen allele CA1999498.

ClinVar aggregate classification (germline): Conflicting classifications of pathogenicity. Review status: criteria provided, conflicting classifications (1 of 4 stars). 6 submissions from 6 submitters: Uncertain significance (1); Likely benign (4). 1 of the submissions does not count toward it. Last evaluated 2025-11-16.

Conditions:
TTN-related disorder. Also called: TTN-related disorders; TTN-related condition; TTN-related disease.
Dilated cardiomyopathy 1G (CMD1G). Identifiers: Orphanet 154, MedGen C1858763, MONDO:0011400, OMIM 604145.
Autosomal recessive limb-girdle muscular dystrophy type 2J (LGMDR10). Also called: Limb-girdle muscular dystrophy, type 2J; MUSCULAR DYSTROPHY, LIMB-GIRDLE, AUTOSOMAL RECESSIVE 10. Identifiers: Orphanet 140922, MedGen C1837342, MONDO:0012127, OMIM 608807.

Allele frequency attached by ClinVar (database versions not stated): TOPMed 0.00003; gnomAD exomes 0.00005; ExAC 0.00008; ESP Exome Variant Server 0.00008; 1000 Genomes Project 30x 0.00016; 1000 Genomes Project 0.00020.
gnomAD v4.1: 50 of 1,613,842 alleles (0.0031%); highest among the groups gnomAD compares: South Asian, 0.014%; no homozygotes.

Submissions (6):

Labcorp Genetics (formerly Invitae), Labcorp
Classification: Likely benign for Dilated cardiomyopathy 1G; Autosomal recessive limb-girdle muscular dystrophy type 2J. Last evaluated: 2025-11-16. Review status: criteria provided, single submitter. Criteria: Invitae Variant Classification Sherloc (09022015). Collection method: clinical testing. Allele origin: germline.

Molecular Diagnostic Laboratory for Inherited Cardiovascular Disease, Montreal Heart Institute
Classification: Likely benign. Last evaluated: 2025-04-09. Review status: criteria provided, single submitter. Criteria: ACMG Guidelines, 2015. Collection method: clinical testing. Allele origin: germline. Affected: no.

Blueprint Genetics
Classification: Likely benign. Last evaluated: 2024-09-27. Review status: criteria provided, single submitter. Criteria: ACMG Guidelines, 2015. Collection method: clinical testing. Allele origin: germline.

Laboratory for Molecular Medicine, Mass General Brigham Personalized Medicine
Classification: Likely benign. Last evaluated: 2016-08-03. Review status: criteria provided, single submitter. Criteria: LMM Criteria. Collection method: clinical testing. Allele origin: germline. Observed: 1 variant allele.
Comment: p.Ser8413Ser in exon 97 of TTN: This variant is not expected to have clinical si gnificance because it does not alter an amino acid residue, is not located withi n the splice consensus sequence. it has been identified in 1/6576 of European ch romosomes by the Exome Aggregation Consortium (ExAC. org; dbSNP rs370903846).

Eurofins Ntd Llc (ga)
Classification: Uncertain significance. Last evaluated: 2015-08-24. Review status: criteria provided, single submitter. Criteria: EGL Classification Definitions 2015. Collection method: clinical testing. Allele origin: germline. Observed: 3 variant alleles, 3 heterozygotes.

PreventionGenetics, part of Exact Sciences
Classification: Likely benign for TTN-related condition. Last evaluated: 2019-11-26. Review status: no assertion criteria provided. Collection method: clinical testing. Allele origin: germline. Not counted in ClinVar's aggregate classification.
Comment: This variant is classified as likely benign based on ACMG/AMP sequence variant interpretation guidelines (Richards et al. 2015 PMID: 25741868, with internal and published modifications).